The following is an entry in ClinVar:

NM_006612.6(KIF1C):c.366C>T (p.Leu122=)

Gene: KIF1C (kinesin family member 1C; plus strand). Cytogenetic location: 17p13.2.
Variant type: single nucleotide variant.
Coding change: c.366C>T on transcript NM_006612.6 (MANE Select); coding-DNA position 366, C replaced by T.
Protein change: p.Leu122=; no amino-acid change (leucine 122 retained).
Molecular consequence: synonymous variant.
Genome position (GRCh38, 1-based): chr17:5,002,061, C>T. VCF-style: chr17-5002061-C-T. GRCh37 (hg19) VCF-style: chr17-4905356-C-T.
Identifiers: ClinVar variation 2848261 (VCV002848261.10), dbSNP rs781072913, ClinGen allele CA8318535.
Genomic context (GRCh38, chr17:5,002,061, plus strand): 5'-ACACTTTAGGTGTGCCCTGAACAGGAGCTTCTCTGTATTTCCCTGTGTCCCCCTCCAGCT[C>T]TGTGAGGACCTCTTCTCTCGCGTTAGTGAGAACCAGAGTGCTCAGCTATCCTACTCTGTG-3'
Protein context (NP_006603.2, residues 112-132): EPGQQGIVPQ[Leu122=]CEDLFSRVSE

ClinVar aggregate classification (germline): Likely benign. Review status: criteria provided, multiple submitters, no conflicts (2 of 4 stars). 2 submissions from 2 submitters: Likely benign (2). Last evaluated 2025-03-01.

Conditions:
Spastic ataxia 2. Also called: Ataxia, spastic, 2, autosomal recessive. Identifiers: Orphanet 397946, MedGen C1969796, MONDO:0012651, OMIM 611302.

Allele frequency attached by ClinVar (database versions not stated): gnomAD exomes 0.00001; TOPMed 0.00001; ExAC 0.00002; gnomAD 0.00003.
gnomAD v4.1: 25 of 1,613,884 alleles (0.0015%); highest among the groups gnomAD compares: Non-Finnish European, 0.0019%; no homozygotes.

Submissions (2):

CeGaT Center for Human Genetics Tuebingen
Classification: Likely benign. Last evaluated: 2025-03-01. Review status: criteria provided, single submitter. Criteria: CeGaT Center For Human Genetics Tuebingen Variant Classification Criteria Version 2. Collection method: clinical testing. Allele origin: germline. Affected: yes. Observed: 1 variant allele.
Comment: KIF1C: BP4, BP7

Labcorp Genetics (formerly Invitae), Labcorp
Classification: Likely benign for Spastic ataxia 2. Last evaluated: 2024-08-13. Review status: criteria provided, single submitter. Criteria: Invitae Variant Classification Sherloc (09022015). Collection method: clinical testing. Allele origin: germline.